The following is an entry in ClinVar:

NM_004667.6(HERC2):c.12803-7C>A

Gene: HERC2 (HECT and RLD domain containing E3 ubiquitin protein ligase 2; minus strand). Cytogenetic location: 15q13.1.
Variant type: single nucleotide variant.
Coding change: c.12803-7C>A on transcript NM_004667.6 (MANE Select); 7 bases into the intron before coding-DNA position 12803, C replaced by A.
Molecular consequence: intron variant.
Genome position (GRCh38, 1-based): chr15:28,125,200, G>T on the plus strand (C>A on the coding strand, the complement: HERC2 is on the minus strand). VCF-style: chr15-28125200-G-T. GRCh37 (hg19) VCF-style: chr15-28370346-G-T.
Identifiers: ClinVar variation 4822303 (VCV004822303.5).
Genomic context (GRCh38, chr15:28,125,200, plus strand): 5'-TGGTTCCGTCTCCCAGTTGTCCCTCATCATTGTCGCCCCATGTATAAACCTCACCTGAAT[G>T]AAGTGAATTTAGAATCAGAACCTGTATACTAGGGCCAACAAACGCATGGCTGCCAGTGTC-3'

ClinVar aggregate classification (germline): Uncertain significance. Review status: criteria provided, multiple submitters, no conflicts (2 of 4 stars). 2 submissions from 2 submitters: Uncertain significance (2). Last evaluated 2026-01-01.

gnomAD v4.1: 8 of 1,599,302 alleles (0.0005%); highest among the groups gnomAD compares: Middle Eastern, 0.017%; no homozygotes.

Submissions (2):

CeGaT Center for Human Genetics Tuebingen
Classification: Uncertain significance. Last evaluated: 2026-01-01. Review status: criteria provided, single submitter. Criteria: CeGaT Center For Human Genetics Tuebingen Variant Classification Criteria Version 2. Collection method: clinical testing. Allele origin: germline. Affected: yes. Observed: 1 variant allele.
Comment: HERC2: PM2, BP4

Blueprint Genetics
Classification: Uncertain significance. Last evaluated: 2024-11-20. Review status: criteria provided, single submitter. Criteria: ACMG Guidelines, 2015. Collection method: clinical testing. Allele origin: germline.